The following is an entry in ClinVar:

NM_004281.4(BAG3):c.521C>T (p.Pro174Leu)

Gene: BAG3 (BAG cochaperone 3; plus strand). Cytogenetic location: 10q26.11.
Variant type: single nucleotide variant.
Coding change: c.521C>T on transcript NM_004281.4 (MANE Select); coding-DNA position 521, C replaced by T.
Protein change: p.Pro174Leu; replaces proline 174 with leucine.
Molecular consequence: missense variant.
Genome position (GRCh38, 1-based): chr10:119,672,268, C>T. VCF-style: chr10-119672268-C-T. GRCh37 (hg19) VCF-style: chr10-121431780-C-T.
Other names: short protein forms P174L.
Identifiers: ClinVar variation 1746154 (VCV001746154.3), dbSNP rs1434276928, ClinGen allele CA378295262.

ClinVar aggregate classification (germline): Uncertain significance. Review status: criteria provided, multiple submitters, no conflicts (2 of 4 stars). 2 submissions from 2 submitters: Uncertain significance (2). Last evaluated 2025-05-09.

Conditions:
Dilated cardiomyopathy 1HH (CMD1HH). Identifiers: Orphanet 154, MedGen C3151293, MONDO:0013479, OMIM 613881.
Myofibrillar myopathy 6. Identifiers: Orphanet 199340, MedGen C2751831, MONDO:0013061, OMIM 612954.
Cardiovascular phenotype. Identifiers: MedGen CN230736.

Allele frequency attached by ClinVar (database versions not stated): gnomAD exomes below 0.00001.
gnomAD v4.1: 2 of 1,613,458 alleles (0.00012%); highest among the groups gnomAD compares: Non-Finnish European, 0.00017%; no homozygotes.

Submissions (2):

Labcorp Genetics (formerly Invitae), Labcorp
Classification: Uncertain significance for Dilated cardiomyopathy 1HH; Myofibrillar myopathy 6. Last evaluated: 2025-05-09. Review status: criteria provided, single submitter. Criteria: Invitae Variant Classification Sherloc (09022015). Collection method: clinical testing. Allele origin: germline.
Comment: This sequence change replaces proline, which is neutral and non-polar, with leucine, which is neutral and non-polar, at codon 174 of the BAG3 protein (p.Pro174Leu). This variant is present in population databases (no rsID available, gnomAD 0.0009%). This variant has not been reported in the literature in individuals affected with BAG3-related conditions. ClinVar contains an entry for this variant (Variation ID: 1746154). Invitae Evidence Modeling of protein sequence and biophysical properties (such as structural, functional, and spatial information, amino acid conservation, physicochemical variation, residue mobility, and thermodynamic stability) indicates that this missense variant is not expected to disrupt BAG3 protein function with a negative predictive value of 80%. In summary, the available evidence is currently insufficient to determine the role of this variant in disease. Therefore, it has been classified as a Variant of Uncertain Significance.

Ambry Genetics
Classification: Uncertain significance for Cardiovascular phenotype. Last evaluated: 2022-03-08. Review status: criteria provided, single submitter. Criteria: Ambry Variant Classification Scheme 2023. Collection method: clinical testing. Allele origin: germline.
Comment: The p.P174L variant (also known as c.521C>T), located in coding exon 3 of the BAG3 gene, results from a C to T substitution at nucleotide position 521. The proline at codon 174 is replaced by leucine, an amino acid with similar properties. This amino acid position is conserved. In addition, the in silico prediction for this alteration is inconclusive. Since supporting evidence is limited at this time, the clinical significance of this alteration remains unclear.